The following is an entry in ClinVar:

ClinVar aggregate classification (germline): Uncertain significance (1 of 4 stars; one submission).

Conditions:
Inborn genetic diseases. Identifiers: MedGen C0950123, MeSH D030342.

Submission:

Ambry Genetics
Classification: Uncertain significance for Inborn genetic diseases. Last evaluated: 2025-11-17. Review status: criteria provided, single submitter. Criteria: Ambry Variant Classification Scheme 2023. Collection method: clinical testing. Allele origin: germline.
Comment: The p.F963L variant (also known as c.2889C>A), located in coding exon 14 of the FANCM gene, results from a C to A substitution at nucleotide position 2889. The phenylalanine at codon 963 is replaced by leucine, an amino acid with highly similar properties. This amino acid position is conserved. In addition, this alteration is predicted to be tolerated by in silico analysis. Based on the available evidence, the clinical significance of this variant remains unclear.

NM_020937.4(FANCM):c.2889C>A (p.Phe963Leu)

Gene: FANCM (FA complementation group M; plus strand). Cytogenetic location: 14q21.2.
Variant type: single nucleotide variant.
Coding change: c.2889C>A on transcript NM_020937.4 (MANE Select); coding-DNA position 2889, C replaced by A.
Protein change: p.Phe963Leu; replaces phenylalanine 963 with leucine.
Molecular consequence: missense variant.
Genome position (GRCh38, 1-based): chr14:45,175,643, C>A. VCF-style: chr14-45175643-C-A. GRCh37 (hg19) VCF-style: chr14-45644846-C-A.
Other names: c.2811C>A, p.Phe937Leu (NM_001308133.2); short protein forms F963L, F937L.
Identifiers: ClinVar variation 4619592 (VCV004619592.1).
Genomic context (GRCh38, chr14:45,175,643, plus strand): 5'-TTCTGGTTATAACAGTTTCAATGATGAAAAATCTGTTTCATCTAACTTATTTCTTCCATT[C>A]GAAGAAGAGCTTTATATTGTTAGAACAGATGACCAATTTTATAATTGTCACTCATTGACA-3'
Protein context (NP_065988.1, residues 953-973): KSVSSNLFLP[Phe963Leu]EEELYIVRTD